The following is an entry in ClinVar:

ClinVar aggregate classification (germline): Uncertain significance. Review status: criteria provided, multiple submitters, no conflicts (2 of 4 stars). 2 submissions from 2 submitters: Uncertain significance (2). Last evaluated 2025-08-06.

Conditions:
Spermatogenic failure 18. Identifiers: MedGen C4539783, MONDO:0054615, OMIM 617576.
Ciliary dyskinesia, primary, 37 (CILD37). Also called: CILIARY DYSKINESIA, PRIMARY, 37, WITH OR WITHOUT SITUS INVERSUS. Identifiers: MedGen C4539798, MONDO:0033204, OMIM 617577.

Allele frequency attached by ClinVar (database versions not stated): gnomAD exomes 0.00005 and 0.00010; TOPMed 0.00005; ExAC 0.00009; gnomAD 0.00009.
gnomAD v4.1: 158 of 1,612,828 alleles (0.0098%); highest among the groups gnomAD compares: African/African-American, 0.013%; no homozygotes.

Submissions (2):

Ambry Genetics
Classification: Uncertain significance. Last evaluated: 2025-08-06. Review status: criteria provided, single submitter. Criteria: Ambry Variant Classification Scheme 2023. Collection method: clinical testing. Allele origin: germline.

Labcorp Genetics (formerly Invitae), Labcorp
Classification: Uncertain significance for Ciliary dyskinesia, primary, 37; Spermatogenic failure 18. Last evaluated: 2022-11-22. Review status: criteria provided, single submitter. Criteria: Invitae Variant Classification Sherloc (09022015). Collection method: clinical testing. Allele origin: germline.
Comment: This variant is present in population databases (rs750422567, gnomAD 0.01%). This sequence change replaces arginine, which is basic and polar, with glutamine, which is neutral and polar, at codon 3096 of the DNAH1 protein (p.Arg3096Gln). This variant has not been reported in the literature in individuals affected with DNAH1-related conditions. In summary, the available evidence is currently insufficient to determine the role of this variant in disease. Therefore, it has been classified as a Variant of Uncertain Significance. Advanced modeling of protein sequence and biophysical properties (such as structural, functional, and spatial information, amino acid conservation, physicochemical variation, residue mobility, and thermodynamic stability) performed at Invitae indicates that this missense variant is not expected to disrupt DNAH1 protein function. ClinVar contains an entry for this variant (Variation ID: 835591).

NM_015512.5(DNAH1):c.9287G>A (p.Arg3096Gln)

Gene: DNAH1 (dynein axonemal heavy chain 1; plus strand). Cytogenetic location: 3p21.1.
Variant type: single nucleotide variant.
Coding change: c.9287G>A on transcript NM_015512.5 (MANE Select); coding-DNA position 9287, G replaced by A.
Protein change: p.Arg3096Gln; replaces arginine 3096 with glutamine.
Molecular consequence: missense variant.
Genome position (GRCh38, 1-based): chr3:52,388,533, G>A. VCF-style: chr3-52388533-G-A. GRCh37 (hg19) VCF-style: chr3-52422549-G-A.
Other names: short protein forms R3096Q.
Identifiers: ClinVar variation 835591 (VCV000835591.7), dbSNP rs750422567, ClinGen allele CA2435437.
Genomic context (GRCh38, chr3:52,388,533, plus strand): 5'-AGGCAAAACAGCGCCTTCGTGAGGTGGAGGACGGCATCGCCACAATGCAGGCTAAGTACC[G>A]GGAATGCATTACCAAGAAGGAGGAGCTGGAGCTGAAGTGTGAGCAGTGTGAGCAGCGGCT-3'
Protein context (NP_056327.4, residues 3086-3106): DGIATMQAKY[Arg3096Gln]ECITKKEELE